The following is an entry in ClinVar:

NC_000020.10:g.(?_18449649)_(18541384_?)dup

Genes: POLR3F (RNA polymerase III subunit F; plus strand), RBBP9 (RB binding protein 9, serine hydrolase; minus strand), SEC23B (SEC23 homolog B, COPII component; plus strand). Cytogenetic location: 20p11.23.
Variant type: Duplication.
Identifiers: ClinVar variation 2425586 (VCV002425586.4).

ClinVar aggregate classification (germline): Uncertain significance (1 of 4 stars; one submission).

Conditions:
Congenital dyserythropoietic anemia, type II (CDAN2). Also called: DYSERYTHROPOIETIC ANEMIA, HEMPAS TYPE. Identifiers: Orphanet 98873, MedGen C1306589, MONDO:0009134, OMIM 224100.
Cowden syndrome 7 (CWS7). Identifiers: Orphanet 201, MedGen C4225179, MONDO:0014802, OMIM 616858.

Submission:

Labcorp Genetics (formerly Invitae), Labcorp
Classification: Uncertain significance for Congenital dyserythropoietic anemia, type II; Cowden syndrome 7. Last evaluated: 2022-05-25. Review status: criteria provided, single submitter. Criteria: Invitae Variant Classification Sherloc (09022015). Collection method: clinical testing. Allele origin: germline.
Comment: A copy number gain of the genomic region encompassing the full coding sequence of the SEC23B gene has been identified. The boundaries of this event are unknown as they extend beyond the assayed region for this gene and therefore may encompass additional genes. As the precise location of this event is unknown, it may be in tandem or it may be located elsewhere in the genome. This variant has not been reported in the literature in individuals affected with SEC23B-related conditions. In summary, the available evidence is currently insufficient to determine the role of this variant in disease. Therefore, it has been classified as a Variant of Uncertain Significance.